The following is an entry in ClinVar:

NM_058179.4(PSAT1):c.745T>C (p.Tyr249His)

Gene: PSAT1 (phosphoserine aminotransferase 1; plus strand). Cytogenetic location: 9q21.2.
Variant type: single nucleotide variant.
Coding change: c.745T>C on transcript NM_058179.4 (MANE Select); coding-DNA position 745, T replaced by C.
Protein change: p.Tyr249His; replaces tyrosine 249 with histidine.
Molecular consequence: missense variant.
Genome position (GRCh38, 1-based): chr9:78,317,680, T>C. VCF-style: chr9-78317680-T-C. GRCh37 (hg19) VCF-style: chr9-80932596-T-C.
Other names: c.745T>C, p.Tyr249His (NM_021154.5); short protein forms Y249H.
Identifiers: ClinVar variation 1952538 (VCV001952538.2), dbSNP rs1219986089, ClinGen allele CA373856725.

ClinVar aggregate classification (germline): Uncertain significance (1 of 4 stars; one submission).

Conditions:
Neu-Laxova syndrome 2. Identifiers: Orphanet 2671, Orphanet 583602, MedGen C4015019, MONDO:0014466, OMIM 616038.

Allele frequency attached by ClinVar (database versions not stated): gnomAD exomes below 0.00001; TOPMed 0.00001.
gnomAD v4.1: 2 of 1,613,570 alleles (0.00012%); highest among the groups gnomAD compares: Non-Finnish European, 0.00017%; no homozygotes.

Submission:

Labcorp Genetics (formerly Invitae), Labcorp
Classification: Uncertain significance for Neu-Laxova syndrome 2. Last evaluated: 2022-06-09. Review status: criteria provided, single submitter. Criteria: Invitae Variant Classification Sherloc (09022015). Collection method: clinical testing. Allele origin: germline.
Comment: This sequence change replaces tyrosine, which is neutral and polar, with histidine, which is basic and polar, at codon 249 of the PSAT1 protein (p.Tyr249His). This variant is not present in population databases (gnomAD no frequency). This variant has not been reported in the literature in individuals affected with PSAT1-related conditions. Algorithms developed to predict the effect of missense changes on protein structure and function are either unavailable or do not agree on the potential impact of this missense change (SIFT: "Tolerated"; PolyPhen-2: "Possibly Damaging"; Align-GVGD: "Class C0"). In summary, the available evidence is currently insufficient to determine the role of this variant in disease. Therefore, it has been classified as a Variant of Uncertain Significance.